The following is an entry in ClinVar:

ClinVar aggregate classification (germline): Pathogenic. Review status: criteria provided, single submitter (1 of 4 stars). 2 submissions from 2 submitters: Pathogenic (1). 1 of the submissions does not count toward it. Last evaluated 2020-02-20.

Conditions:
Hyper-IgM syndrome type 1. Also called: Hyper-IgM Immunodeficiency Syndrome, Type 1; CD40 Ligand Deficiency; Immunodeficiency, X-linked, with hyper-IgM; X-linked hyper-IgM syndrome. Identifiers: Orphanet 101088, MedGen C0398689, MONDO:0010626, OMIM 308230.

Submissions (2):

Mayo Clinic Laboratories, Mayo Clinic
Classification: Pathogenic. Last evaluated: 2020-02-20. Review status: criteria provided, single submitter. Criteria: ACMG Guidelines, 2015. Collection method: clinical testing. Allele origin: germline. Observed: 1 variant allele.
Comment: PS3_moderate, PS4_moderate, PM2, PM6, PP3

OMIM
Classification: Pathogenic for IMMUNODEFICIENCY WITH HYPER-IgM, TYPE 1. Last evaluated: 1993-02-12. Review status: no assertion criteria provided. Collection method: literature only. Allele origin: germline. Not counted in ClinVar's aggregate classification.

Literature cited by the submitters: PubMed 7679801 (cited by Mayo Clinic Laboratories, Mayo Clinic and OMIM); PubMed 8550833 (cited by Mayo Clinic Laboratories, Mayo Clinic); PubMed 15623492 (cited by Mayo Clinic Laboratories, Mayo Clinic); PubMed 27189378 (cited by Mayo Clinic Laboratories, Mayo Clinic); PubMed 27484504 (cited by Mayo Clinic Laboratories, Mayo Clinic); PubMed 29525420 (cited by Mayo Clinic Laboratories, Mayo Clinic).

NM_000074.3(CD40LG):c.464T>C (p.Leu155Pro)

Gene: CD40LG (CD40 ligand; plus strand). Cytogenetic location: Xq26.3.
Variant type: single nucleotide variant.
Coding change: c.464T>C on transcript NM_000074.3 (MANE Select); coding-DNA position 464, T replaced by C.
Protein change: p.Leu155Pro; replaces leucine 155 with proline.
Molecular consequence: missense variant.
Genome position (GRCh38, 1-based): chrX:136,659,093, T>C. VCF-style: chrX-136659093-T-C. GRCh37 (hg19) VCF-style: chrX-135741252-T-C.
Other names: short protein forms L155P.
Identifiers: ClinVar variation 11160 (VCV000011160.9), dbSNP rs104894769, ClinGen allele CA255747.